The following is an entry in ClinVar:

NM_015978.3(TNNI3K):c.1773-1G>C

Genes: FPGT-TNNI3K (FPGT-TNNI3K readthrough; plus strand), TNNI3K (TNNI3 interacting kinase; plus strand). Cytogenetic location: 1p31.1.
Variant type: single nucleotide variant.
Coding change: c.1773-1G>C on transcript NM_015978.3 (MANE Select); the canonical splice acceptor site of the intron before coding-DNA position 1773, G replaced by C.
Molecular consequence: splice acceptor variant.
Genome position (GRCh38, 1-based): chr1:74,436,079, G>C. VCF-style: chr1-74436079-G-C. GRCh37 (hg19) VCF-style: chr1-74901763-G-C.
Other names: c.2076-1G>C (NM_001112808.3, NM_001199327.2).
Identifiers: ClinVar variation 3626240 (VCV003626240.2).

ClinVar aggregate classification (germline): Uncertain significance (1 of 4 stars; one submission).

gnomAD v4.1: 2 of 1,531,368 alleles (0.00013%); highest among the groups gnomAD compares: Admixed American, 0.0042%; no homozygotes.

Submission:

Labcorp Genetics (formerly Invitae), Labcorp
Classification: Uncertain significance. Last evaluated: 2025-12-16. Review status: criteria provided, single submitter. Criteria: Invitae Variant Classification Sherloc (09022015). Collection method: clinical testing. Allele origin: germline.
Comment: This sequence change affects an acceptor splice site in intron 17 of the TNNI3K gene. It is expected to disrupt RNA splicing. Variants that disrupt the donor or acceptor splice site typically lead to a loss of protein function (PMID: 16199547), however the current clinical and genetic evidence is not sufficient to establish whether loss-of-function variants in TNNI3K cause disease. This variant is present in population databases (rs764342720, gnomAD 0.007%). This variant has not been reported in the literature in individuals affected with TNNI3K-related conditions. ClinVar contains an entry for this variant (Variation ID: 3626240). Algorithms developed to predict the effect of sequence changes on RNA splicing suggest that this variant may disrupt the consensus splice site. In summary, the available evidence is currently insufficient to determine the role of this variant in disease. Therefore, it has been classified as a Variant of Uncertain Significance.

Literature cited by the submitters: PubMed 16199547.